The following is an entry in ClinVar:

ClinVar aggregate classification (germline): Uncertain significance. Review status: criteria provided, multiple submitters, no conflicts (2 of 4 stars). 2 submissions from 2 submitters: Uncertain significance (2). Last evaluated 2025-05-11.

Conditions:
Hereditary cancer-predisposing syndrome. Also called: Neoplastic Syndromes, Hereditary; Tumor predisposition; Hereditary neoplastic syndrome; Hereditary Cancer Syndrome. Identifiers: Orphanet 140162, MedGen C0027672, MeSH D009386, MONDO:0015356.
Familial adenomatous polyposis 1 (FAP1). Also called: FAMILIAL ADENOMATOUS POLYPOSIS 1, ATTENUATED; POLYPOSIS, ADENOMATOUS INTESTINAL. Identifiers: MedGen C2713442, MONDO:0021056, OMIM 175100. Disease mechanism: loss of function.

Submissions (2):

Labcorp Genetics (formerly Invitae), Labcorp
Classification: Uncertain significance for Familial adenomatous polyposis 1. Last evaluated: 2025-05-11. Review status: criteria provided, single submitter. Criteria: Invitae Variant Classification Sherloc (09022015). Collection method: clinical testing. Allele origin: germline.
Comment: This sequence change replaces glutamic acid, which is acidic and polar, with lysine, which is basic and polar, at codon 1998 of the APC protein (p.Glu1998Lys). This variant is not present in population databases (gnomAD no frequency). This variant has not been reported in the literature in individuals affected with APC-related conditions. ClinVar contains an entry for this variant (Variation ID: 1351314). Invitae Evidence Modeling of protein sequence and biophysical properties (such as structural, functional, and spatial information, amino acid conservation, physicochemical variation, residue mobility, and thermodynamic stability) indicates that this missense variant is not expected to disrupt APC protein function with a negative predictive value of 95%. In summary, the available evidence is currently insufficient to determine the role of this variant in disease. Therefore, it has been classified as a Variant of Uncertain Significance.

Ambry Genetics
Classification: Uncertain significance for Hereditary cancer-predisposing syndrome. Last evaluated: 2024-07-24. Review status: criteria provided, single submitter. Criteria: Ambry Variant Classification Scheme 2023. Collection method: clinical testing. Allele origin: germline.
Comment: The p.E1998K variant (also known as c.5992G>A), located in coding exon 15 of the APC gene, results from a G to A substitution at nucleotide position 5992. The glutamic acid at codon 1998 is replaced by lysine, an amino acid with similar properties. This amino acid position is conserved. In addition, in silico predictors for this gene do not accurately predict pathogenicity. Based on the available evidence, the clinical significance of this variant remains unclear.

NM_000038.6(APC):c.5992G>A (p.Glu1998Lys)

Gene: APC (APC regulator of Wnt signaling pathway; plus strand). Cytogenetic location: 5q22.2.
Variant type: single nucleotide variant.
Coding change: c.5992G>A on transcript NM_000038.6 (MANE Select); coding-DNA position 5992, G replaced by A.
Protein change: p.Glu1998Lys; replaces glutamic acid 1998 with lysine.
Molecular consequence: missense variant.
Genome position (GRCh38, 1-based): chr5:112,841,586, G>A. VCF-style: chr5-112841586-G-A. GRCh37 (hg19) VCF-style: chr5-112177283-G-A.
Other names: c.5908G>A, p.Glu1970Lys (NM_001354899.2); c.5869G>A, p.Glu1957Lys (NM_001354900.2); c.5815G>A, p.Glu1939Lys (NM_001354901.2); c.5719G>A, p.Glu1907Lys (NM_001354902.2); c.5689G>A, p.Glu1897Lys (NM_001354903.2); c.5614G>A, p.Glu1872Lys (NM_001354904.2); c.5512G>A, p.Glu1838Lys (NM_001354905.2); c.5143G>A, p.Glu1715Lys (NM_001354906.2); and 6 more; short protein forms E1897K, E1957K, E1970K, E2008K, E1838K, E1907K, E1939K, E2016K.
Identifiers: ClinVar variation 1351314 (VCV001351314.7), dbSNP rs1766108318, ClinGen allele CA16034445.